The following is an entry in ClinVar:

ClinVar aggregate classification (germline): Uncertain significance. Review status: criteria provided, multiple submitters, no conflicts (2 of 4 stars). 2 submissions from 2 submitters: Uncertain significance (2). Last evaluated 2023-04-20.

Conditions:
Progressive sclerosing poliodystrophy (MTDPS4A). Also called: Mitochondrial DNA Depletion Syndrome 4A; ALPERS PROGRESSIVE INFANTILE POLIODYSTROPHY; NEURONAL DEGENERATION OF CHILDHOOD WITH LIVER DISEASE, PROGRESSIVE; Mitochondrial DNA depletion syndrome 4A (Alpers type); Alpers-Huttenlocher Syndrome (AHS); Alpers Syndrome. Identifiers: Orphanet 726, MedGen C0205710, MONDO:0008758, OMIM 203700.

Submissions (2):

Mayo Clinic Laboratories, Mayo Clinic
Classification: Uncertain significance. Last evaluated: 2023-04-20. Review status: criteria provided, single submitter. Criteria: ACMG Guidelines, 2015. Collection method: clinical testing. Allele origin: germline. Observed: 1 variant allele.
Comment: PM2

Labcorp Genetics (formerly Invitae), Labcorp
Classification: Uncertain significance for Progressive sclerosing poliodystrophy. Last evaluated: 2022-06-02. Review status: criteria provided, single submitter. Criteria: Invitae Variant Classification Sherloc (09022015). Collection method: clinical testing. Allele origin: germline.
Comment: This sequence change replaces serine, which is neutral and polar, with isoleucine, which is neutral and non-polar, at codon 310 of the POLG protein (p.Ser310Ile). This variant is not present in population databases (gnomAD no frequency). This variant has not been reported in the literature in individuals affected with POLG-related conditions. Algorithms developed to predict the effect of missense changes on protein structure and function are either unavailable or do not agree on the potential impact of this missense change (SIFT: "Deleterious"; PolyPhen-2: "Benign"; Align-GVGD: "Class C0"). In summary, the available evidence is currently insufficient to determine the role of this variant in disease. Therefore, it has been classified as a Variant of Uncertain Significance.

NM_002693.3(POLG):c.929G>T (p.Ser310Ile)

Gene: POLG (DNA polymerase gamma, catalytic subunit; minus strand). Cytogenetic location: 15q26.1.
Variant type: single nucleotide variant.
Coding change: c.929G>T on transcript NM_002693.3 (MANE Select); coding-DNA position 929, G replaced by T.
Protein change: p.Ser310Ile; replaces serine 310 with isoleucine.
Molecular consequence: missense variant.
Genome position (GRCh38, 1-based): chr15:89,329,037, C>A on the plus strand (G>T on the coding strand, the complement: POLG is on the minus strand). VCF-style: chr15-89329037-C-A. GRCh37 (hg19) VCF-style: chr15-89872268-C-A.
Other names: p.Ser310Ile; c.929G>T, p.Ser310Ile (NM_001126131.2); short protein forms S310I.
Identifiers: ClinVar variation 1982752 (VCV001982752.2), dbSNP rs2509262259, ClinGen allele CA393765749.